The following is an entry in ClinVar:

NM_015338.6(ASXL1):c.65A>G (p.Glu22Gly)

Gene: ASXL1 (ASXL transcriptional regulator 1; plus strand). Cytogenetic location: 20q11.21.
Variant type: single nucleotide variant.
Coding change: c.65A>G on transcript NM_015338.6 (MANE Select); coding-DNA position 65, A replaced by G.
Protein change: p.Glu22Gly; replaces glutamic acid 22 with glycine.
Molecular consequence: missense variant.
Genome position (GRCh38, 1-based): chr20:32,366,391, A>G. VCF-style: chr20-32366391-A-G. GRCh37 (hg19) VCF-style: chr20-30954194-A-G.
Other names: c.65A>G, p.Glu22Gly (NM_001164603.1); c.35A>G, p.Glu12Gly (NM_001363734.1); short protein forms E22G, E12G.
Identifiers: ClinVar variation 3659860 (VCV003659860.3).
Genomic context (GRCh38, chr20:32,366,391, plus strand): 5'-ATGGATATAAATGGAAATTGCACACTGAAATTAGGACGTTTATATTTCTTCAGGTATTAG[A>G]AAACTACTCGGATGCTCCAATGACACCAAAACAGATTCTGCAGGTCATAGAGGCAGAAGG-3'
Protein context (NP_056153.2, residues 12-32): TWAEAARLVL[Glu22Gly]NYSDAPMTPK

ClinVar aggregate classification (germline): Uncertain significance. Review status: criteria provided, multiple submitters, no conflicts (2 of 4 stars). 2 submissions from 2 submitters: Uncertain significance (2). Last evaluated 2025-08-20.

Conditions:
Inborn genetic diseases. Identifiers: MedGen C0950123, MeSH D030342.

gnomAD v4.1: 2 of 1,612,414 alleles (0.00012%); highest among the groups gnomAD compares: Non-Finnish European, 0.00017%; no homozygotes.

Submissions (2):

Ambry Genetics
Classification: Uncertain significance for Inborn genetic diseases. Last evaluated: 2025-08-20. Review status: criteria provided, single submitter. Criteria: Ambry Variant Classification Scheme 2023. Collection method: clinical testing. Allele origin: germline.
Comment: The p.E22G variant (also known as c.65A>G), located in coding exon 2 of the ASXL1 gene, results from an A to G substitution at nucleotide position 65. The glutamic acid at codon 22 is replaced by glycine, an amino acid with similar properties. This amino acid position is conserved. In addition, this alteration is predicted to be deleterious by in silico analysis. Based on the available evidence, the clinical significance of this variant remains unclear.

Labcorp Genetics (formerly Invitae), Labcorp
Classification: Uncertain significance. Last evaluated: 2024-07-19. Review status: criteria provided, single submitter. Criteria: Invitae Variant Classification Sherloc (09022015). Collection method: clinical testing. Allele origin: germline.
Comment: This sequence change replaces glutamic acid, which is acidic and polar, with glycine, which is neutral and non-polar, at codon 22 of the ASXL1 protein (p.Glu22Gly). This variant is present in population databases (rs775831641, gnomAD 0.0009%). This variant has not been reported in the literature in individuals affected with ASXL1-related conditions. An algorithm developed to predict the effect of missense changes on protein structure and function (PolyPhen-2) suggests that this variant is likely to be disruptive. In summary, the available evidence is currently insufficient to determine the role of this variant in disease. Therefore, it has been classified as a Variant of Uncertain Significance.